The following is an entry in ClinVar:

ClinVar aggregate classification (germline): Uncertain significance. Review status: criteria provided, multiple submitters, no conflicts (2 of 4 stars). 2 submissions from 2 submitters: Uncertain significance (2). Last evaluated 2025-12-13.

Conditions:
Familial cancer of breast. Also called: BREAST CANCER, FAMILIAL; Hereditary breast cancer; hereditary breast carcinoma. Identifiers: Orphanet 227535, MedGen C0346153, MONDO:0016419, OMIM 114480. Disease mechanism: loss of function.
Hereditary cancer-predisposing syndrome. Also called: Hereditary neoplastic syndrome; Neoplastic Syndromes, Hereditary; Hereditary Cancer Syndrome; Tumor predisposition. Identifiers: Orphanet 140162, MedGen C0027672, MeSH D009386, MONDO:0015356.

gnomAD v4.1: 1 of 1,596,422 alleles (0.000063%); no homozygotes.

Submissions (2):

Ambry Genetics
Classification: Uncertain significance for Hereditary cancer-predisposing syndrome. Last evaluated: 2025-12-13. Review status: criteria provided, single submitter. Criteria: Ambry Variant Classification Scheme 2023. Collection method: clinical testing. Allele origin: germline.
Comment: The p.A527S variant (also known as c.1579G>T), located in coding exon 14 of the CHEK2 gene, results from a G to T substitution at nucleotide position 1579. The alanine at codon 527 is replaced by serine, an amino acid with similar properties. This amino acid position is not well conserved in available vertebrate species. In addition, this alteration is predicted to be tolerated by in silico analysis. Since supporting evidence is limited at this time, the clinical significance of this alteration remains unclear.

Labcorp Genetics (formerly Invitae), Labcorp
Classification: Uncertain significance for Familial cancer of breast. Last evaluated: 2025-12-09. Review status: criteria provided, single submitter. Criteria: Invitae Variant Classification Sherloc (09022015). Collection method: clinical testing. Allele origin: germline.
Comment: This sequence change replaces alanine, which is neutral and non-polar, with serine, which is neutral and polar, at codon 527 of the CHEK2 protein (p.Ala527Ser). This variant is not present in population databases (gnomAD no frequency). This variant has not been reported in the literature in individuals affected with CHEK2-related conditions. ClinVar contains an entry for this variant (Variation ID: 530090). An algorithm developed to predict the effect of missense changes on protein structure and function (PolyPhen-2) suggests that this variant is likely to be tolerated. In summary, the available evidence is currently insufficient to determine the role of this variant in disease. Therefore, it has been classified as a Variant of Uncertain Significance.

NM_007194.4(CHEK2):c.1579G>T (p.Ala527Ser)

Gene: CHEK2 (checkpoint kinase 2; minus strand). Cytogenetic location: 22q12.1.
Variant type: single nucleotide variant.
Coding change: c.1579G>T on transcript NM_007194.4 (MANE Select); coding-DNA position 1579, G replaced by T.
Protein change: p.Ala527Ser; replaces alanine 527 with serine.
Molecular consequence: missense variant.
Genome position (GRCh38, 1-based): chr22:28,687,950, C>A on the plus strand (G>T on the coding strand, the complement: CHEK2 is on the minus strand). VCF-style: chr22-28687950-C-A. GRCh37 (hg19) VCF-style: chr22-29083938-C-A.
Other names: c.1708G>T, p.Ala570Ser (NM_001005735.3); c.916G>T, p.Ala306Ser (NM_001257387.3); c.1378G>T, p.Ala460Ser (NM_001349956.3); c.1492G>T, p.Ala498Ser (NM_145862.3); short protein forms A527S, A306S, A570S, A460S, A498S.
Identifiers: ClinVar variation 530090 (VCV000530090.11), dbSNP rs1555911583, ClinGen allele CA411091254.
Genomic context (GRCh38, chr22:28,687,950, plus strand): 5'-ACGGAGTTCACAACACAGCAGCACACACAGCTGGGCGCTTTGTGGTCTCGGCACCCTCGG[C>A]TTCCCCTTCACGGGGCCGCTTTCGACTAGTAGAAGGCTGAAAATAAAGGAAAATGGAGAA-3'
Protein context (NP_009125.1, residues 517-537): TSRKRPREGE[Ala527Ser]EGAETTKRPA